The following is an entry in ClinVar:

NM_198253.3(TERT):c.1570C>G (p.Pro524Ala)

Gene: TERT (telomerase reverse transcriptase; minus strand). Cytogenetic location: 5p15.33.
Variant type: single nucleotide variant.
Coding change: c.1570C>G on transcript NM_198253.3 (MANE Select); coding-DNA position 1570, C replaced by G.
Protein change: p.Pro524Ala; replaces proline 524 with alanine.
Molecular consequence: missense variant. On other transcripts: non-coding transcript variant (2).
Genome position (GRCh38, 1-based): chr5:1,293,316, G>C on the plus strand (C>G on the coding strand, the complement: TERT is on the minus strand). VCF-style: chr5-1293316-G-C. GRCh37 (hg19) VCF-style: chr5-1293431-G-C.
Other names: c.1570C>G, p.Pro524Ala (NM_001193376.3); c.1570C>G (NM_198253.2); short protein forms P524A.
Identifiers: ClinVar variation 1056277 (VCV001056277.9), dbSNP rs898648592, ClinGen allele CA112957459.

ClinVar aggregate classification (germline): Conflicting classifications of pathogenicity. Review status: criteria provided, conflicting classifications (1 of 4 stars). 4 submissions from 4 submitters: Uncertain significance (2); Likely benign (1). 1 of the submissions does not count toward it. Last evaluated 2025-11-24.

Conditions:
Dyskeratosis congenita, autosomal dominant 2. Identifiers: MedGen C3151443, MONDO:0013521, OMIM 613989.
Idiopathic Pulmonary Fibrosis. Also called: Idiopathic fibrosing alveolitis, chronic form; idiopathic fibrosing alveolitis. Identifiers: Orphanet 2032, MedGen C1800706, MeSH D054990, MONDO:0800504.
TERT-related disorder. Also called: TERT-related disorders; TERT-related condition.
Dyskeratosis congenita. Identifiers: Orphanet 1775, MedGen C0265965, MONDO:0015780.

Allele frequency attached by ClinVar (database versions not stated): gnomAD exomes below 0.00001.
gnomAD v4.1: 4 of 1,612,826 alleles (0.00025%); highest among the groups gnomAD compares: African/African-American, 0.0027%; no homozygotes.

Submissions (4):

Labcorp Genetics (formerly Invitae), Labcorp
Classification: Likely benign for Dyskeratosis congenita, autosomal dominant 2; Idiopathic Pulmonary Fibrosis. Last evaluated: 2025-11-24. Review status: criteria provided, single submitter. Criteria: Invitae Variant Classification Sherloc (09022015). Collection method: clinical testing. Allele origin: germline.

Ambry Genetics
Classification: Uncertain significance for Dyskeratosis congenita. Last evaluated: 2025-03-19. Review status: criteria provided, single submitter. Criteria: Ambry Variant Classification Scheme 2023. Collection method: clinical testing. Allele origin: germline.
Comment: The p.P524A variant (also known as c.1570C>G), located in coding exon 2 of the TERT gene, results from a C to G substitution at nucleotide position 1570. The proline at codon 524 is replaced by alanine, an amino acid with highly similar properties. This amino acid position is well conserved in available vertebrate species. In addition, the in silico prediction for this alteration is inconclusive. Based on the available evidence, the clinical significance of this variant remains unclear.

Women's Health and Genetics/Laboratory Corporation of America, LabCorp
Classification: Uncertain significance. Last evaluated: 2024-08-01. Review status: criteria provided, single submitter. Criteria: LabCorp Variant Classification Summary - May 2015. Collection method: clinical testing. Allele origin: germline.
Comment: Variant summary: TERT c.1570C>G (p.Pro524Ala) results in a non-conservative amino acid change located in the Telomerase ribonucleoprotein complex - RNA-binding domain (IPR021891) of the encoded protein sequence. Five of five in-silico tools predict a damaging effect of the variant on protein function. The variant allele was found at a frequency of 4e-06 in 248886 control chromosomes. c.1570C>G has been reported in the literature as an uninformative genotype (i.e. zygosity not specified) in at least one individual affected with Dyskeratosis congenita and an individual with aplastic anemia, both with decreased telomere lengths (Collopy_2014, Norris_2021). It has also been reported in two of three affected individuals from a family with pulmonary fibrosis (Liu_2023). These reports do not provide unequivocal conclusions about association of the variant with Dyskeratosis congenita or other TERT-related disorders. At least one publication reports experimental evidence evaluating an impact on protein function (Collopy_2014). The most pronounced variant effect results in 10%-<20% of wildtype activity as detected by a telomerase repeated amplification protocol (TRAP) assay. The following publications have been ascertained in the context of this evaluation (PMID: 24763404, 36622818, 33709208). ClinVar contains an entry for this variant (Variation ID: 1056277). Based on the evidence outlined above, the variant was classified as VUS-possibly pathogenic.

PreventionGenetics, part of Exact Sciences
Classification: Uncertain significance for TERT-related condition. Last evaluated: 2024-08-17. Review status: no assertion criteria provided. Collection method: clinical testing. Allele origin: germline. Not counted in ClinVar's aggregate classification.
Comment: The TERT c.1570C>G variant is predicted to result in the amino acid substitution p.Pro524Ala. This variant has been reported in an individual with telomere biology disorder (Supplementary table 1, Norris et al 2021. PubMed ID: 33709208). This variant is reported in 0.0062% of alleles in individuals of African descent in gnomAD. At this time, the clinical significance of this variant is uncertain due to the absence of conclusive functional and genetic evidence.

Literature cited by the submitters: PubMed 24763404 (cited by Women's Health and Genetics/Laboratory Corporation of America, LabCorp); PubMed 36622818 (cited by Women's Health and Genetics/Laboratory Corporation of America, LabCorp); PubMed 33709208 (cited by Women's Health and Genetics/Laboratory Corporation of America, LabCorp).